The following is an entry in ClinVar:

ClinVar aggregate classification (germline): Uncertain significance (1 of 4 stars; one submission).

Submission:

Labcorp Genetics (formerly Invitae), Labcorp
Classification: Uncertain significance. Last evaluated: 2020-09-27. Review status: criteria provided, single submitter. Criteria: Invitae Variant Classification Sherloc (09022015). Collection method: clinical testing. Allele origin: germline.
Comment: This variant has not been reported in the literature in individuals with VEGFC-related conditions. In summary, the available evidence is currently insufficient to determine the role of this variant in disease. Therefore, it has been classified as a Variant of Uncertain Significance. Experimental studies and prediction algorithms are not available or were not evaluated, and the functional significance of this variant is currently unknown. This variant is not present in population databases (ExAC no frequency). This sequence change replaces asparagine with isoleucine at codon 175 of the VEGFC protein (p.Asn175Ile). The asparagine residue is highly conserved and there is a large physicochemical difference between asparagine and isoleucine.

NM_005429.5(VEGFC):c.524A>T (p.Asn175Ile)

Gene: VEGFC (vascular endothelial growth factor C; minus strand). Cytogenetic location: 4q34.3.
Variant type: single nucleotide variant.
Coding change: c.524A>T on transcript NM_005429.5 (MANE Select); coding-DNA position 524, A replaced by T.
Protein change: p.Asn175Ile; replaces asparagine 175 with isoleucine.
Molecular consequence: missense variant.
Genome position (GRCh38, 1-based): chr4:176,727,806, T>A on the plus strand (A>T on the coding strand, the complement: VEGFC is on the minus strand). VCF-style: chr4-176727806-T-A. GRCh37 (hg19) VCF-style: chr4-177648960-T-A.
Other names: short protein forms N175I.
Identifiers: ClinVar variation 1010318 (VCV001010318.6), dbSNP rs1734896876, ClinGen allele CA358822772.